The following is an entry in ClinVar:

NM_004795.4(KL):c.2959G>A (p.Ala987Thr)

Gene: KL (klotho; plus strand). Cytogenetic location: 13q13.1.
Variant type: single nucleotide variant.
Coding change: c.2959G>A on transcript NM_004795.4 (MANE Select); coding-DNA position 2959, G replaced by A.
Protein change: p.Ala987Thr; replaces alanine 987 with threonine.
Molecular consequence: missense variant.
Genome position (GRCh38, 1-based): chr13:33,064,106, G>A. VCF-style: chr13-33064106-G-A. GRCh37 (hg19) VCF-style: chr13-33638243-G-A.
Other names: short protein forms A987T.
Identifiers: ClinVar variation 311708 (VCV000311708.10), dbSNP rs755999183, ClinGen allele CA6944416.
Genomic context (GRCh38, chr13:33,064,106, plus strand): 5'-TTCACCGTGTGTACTGAGTGCAGTTTTTTTCACACCCGAAAGTCTTTACTGGCTTTCATA[G>A]CTTTTCTATTTTTTGCTTCTATTATTTCTCTCTCCCTTATATTTTACTACTCGAAGAAAG-3'
Protein context (NP_004786.2, residues 977-997): HTRKSLLAFI[Ala987Thr]FLFFASIISL

ClinVar aggregate classification (germline): Uncertain significance. Review status: criteria provided, multiple submitters, no conflicts (2 of 4 stars). 3 submissions from 3 submitters: Uncertain significance (3). Last evaluated 2023-10-09.

Conditions:
Tumoral calcinosis, hyperphosphatemic, familial, 3. Identifiers: MedGen C4693864, MONDO:0060715, OMIM 617994.

Allele frequency attached by ClinVar (database versions not stated): ExAC 0.00001; gnomAD 0.00001; gnomAD exomes 0.00001; TOPMed 0.00001.
gnomAD v4.1: 19 of 1,613,674 alleles (0.0012%); highest among the groups gnomAD compares: Non-Finnish European, 0.0016%; no homozygotes.

Submissions (3):

Labcorp Genetics (formerly Invitae), Labcorp
Classification: Uncertain significance. Last evaluated: 2023-10-09. Review status: criteria provided, single submitter. Criteria: Invitae Variant Classification Sherloc (09022015). Collection method: clinical testing. Allele origin: germline.
Comment: This sequence change replaces alanine, which is neutral and non-polar, with threonine, which is neutral and polar, at codon 987 of the KL protein (p.Ala987Thr). This variant is present in population databases (rs755999183, gnomAD 0.003%). This variant has not been reported in the literature in individuals affected with KL-related conditions. ClinVar contains an entry for this variant (Variation ID: 311708). Advanced modeling of protein sequence and biophysical properties (such as structural, functional, and spatial information, amino acid conservation, physicochemical variation, residue mobility, and thermodynamic stability) performed at Invitae indicates that this missense variant is not expected to disrupt KL protein function. In summary, the available evidence is currently insufficient to determine the role of this variant in disease. Therefore, it has been classified as a Variant of Uncertain Significance.

Ambry Genetics
Classification: Uncertain significance. Last evaluated: 2022-12-01. Review status: criteria provided, single submitter. Criteria: Ambry Variant Classification Scheme 2023. Collection method: clinical testing. Allele origin: germline.

Illumina Laboratory Services, Illumina
Classification: Uncertain significance for Tumoral calcinosis, hyperphosphatemic, familial, 3. Last evaluated: 2018-01-13. Review status: criteria provided, single submitter. Criteria: ICSL Variant Classification Criteria 13 December 2019. Collection method: clinical testing. Allele origin: germline.